The following is an entry in ClinVar:

NM_001376.5(DYNC1H1):c.3073C>T (p.Arg1025Trp)

Gene: DYNC1H1 (dynein cytoplasmic 1 heavy chain 1; plus strand). Cytogenetic location: 14q32.31.
Variant type: single nucleotide variant.
Coding change: c.3073C>T on transcript NM_001376.5 (MANE Select); coding-DNA position 3073, C replaced by T.
Protein change: p.Arg1025Trp; replaces arginine 1025 with tryptophan.
Molecular consequence: missense variant.
Genome position (GRCh38, 1-based): chr14:101,994,241, C>T. VCF-style: chr14-101994241-C-T. GRCh37 (hg19) VCF-style: chr14-102460578-C-T.
Other names: short protein forms R1025W.
Identifiers: ClinVar variation 512377 (VCV000512377.19), dbSNP rs777387819, ClinGen allele CA7351940.

ClinVar aggregate classification (germline): Conflicting classifications of pathogenicity. Review status: criteria provided, conflicting classifications (1 of 4 stars). 4 submissions from 4 submitters: Uncertain significance (1); Likely benign (3). Last evaluated 2026-01-01.

Conditions:
Inborn genetic diseases. Identifiers: MedGen C0950123, MeSH D030342.
Charcot-Marie-Tooth disease axonal type 2O. Also called: CHARCOT-MARIE-TOOTH NEUROPATHY, AXONAL, TYPE 2O; CHARCOT-MARIE-TOOTH DISEASE, AXONAL, AUTOSOMAL DOMINANT, TYPE 2O; Charcot-Marie-Tooth Neuropathy Type 2O; Charcot-Marie-Tooth disease, axonal, type 20. Identifiers: Orphanet 284232, MedGen C3280220, MONDO:0013644, OMIM 614228.
Autosomal dominant childhood-onset proximal spinal muscular atrophy without contractures. Also called: Spinal muscular atrophy, lower extremity-predominant 1, AD; SPINAL MUSCULAR ATROPHY, CHILDHOOD, PROXIMAL, AUTOSOMAL DOMINANT; SPINAL MUSCULAR ATROPHY, JUVENILE, PROXIMAL, AUTOSOMAL DOMINANT; KUGELBERG-WELANDER SYNDROME, AUTOSOMAL DOMINANT. Identifiers: Orphanet 209341, Orphanet 363447, MedGen C5780022, MONDO:0008026, OMIM 158600.
Cortical dysplasia, complex, with other brain malformations 13. Also called: Intellectual disability, autosomal dominant 13. Identifiers: MedGen C3281202, MONDO:0013805, OMIM 614563.

Allele frequency attached by ClinVar (database versions not stated): gnomAD 0.00002 and 0.00003; TOPMed 0.00005; ExAC 0.00007; gnomAD exomes 0.00007 and 0.00008.
gnomAD v4.1: 101 of 1,614,062 alleles (0.0063%); highest among the groups gnomAD compares: Admixed American, 0.037%; no homozygotes.

Submissions (4):

Labcorp Genetics (formerly Invitae), Labcorp
Classification: Likely benign for Charcot-Marie-Tooth disease axonal type 2O. Last evaluated: 2026-01-01. Review status: criteria provided, single submitter. Criteria: Invitae Variant Classification Sherloc (09022015). Collection method: clinical testing. Allele origin: germline.

Ambry Genetics
Classification: Likely benign for Inborn genetic diseases. Last evaluated: 2018-11-09. Review status: criteria provided, single submitter. Criteria: Ambry Variant Classification Scheme 2023. Collection method: clinical testing. Allele origin: germline.

GeneDx
Classification: Likely benign. Last evaluated: 2018-01-05. Review status: criteria provided, single submitter. Criteria: GeneDx Variant Classification (06012015). Collection method: clinical testing. Allele origin: germline. Affected: yes.
Comment: This variant is considered likely benign or benign based on one or more of the following criteria: it is a conservative change, it occurs at a poorly conserved position in the protein, it is predicted to be benign by multiple in silico algorithms, and/or has population frequency not consistent with disease.

Center for Genomics, Ann and Robert H. Lurie Children's Hospital of Chicago
Classification: Uncertain significance for Charcot-Marie-Tooth disease axonal type 2O; Autosomal dominant childhood-onset proximal spinal muscular atrophy without contractures; Cortical dysplasia, complex, with other brain malformations 13. Review status: criteria provided, single submitter. Criteria: ACMG Guidelines, 2015. Collection method: clinical testing. Allele origin: germline.
Comment: DYNC1H1 NM_001376 exon 12 p.Arg1025Trp (c.3073C>T): This variant has not been reported in the literature but is present in 16/34420 Latino alleles in the Genome Aggregation Database. Evolutionary conservation and computational predictive tools suggest that this variant may impact the protein. In summary, data on this variant is insufficient for disease classification. Therefore, the clinical significance of this variant is uncertain